The following is an entry in ClinVar:

NM_001089.3(ABCA3):c.686C>T (p.Ala229Val)

Gene: ABCA3 (ATP binding cassette subfamily A member 3; minus strand). Cytogenetic location: 16p13.3.
Variant type: single nucleotide variant.
Coding change: c.686C>T on transcript NM_001089.3 (MANE Select); coding-DNA position 686, C replaced by T.
Protein change: p.Ala229Val; replaces alanine 229 with valine.
Molecular consequence: missense variant.
Genome position (GRCh38, 1-based): chr16:2,319,768, G>A on the plus strand (C>T on the coding strand, the complement: ABCA3 is on the minus strand). VCF-style: chr16-2319768-G-A. GRCh37 (hg19) VCF-style: chr16-2369769-G-A.
Other names: c.686C>T (NM_001089.2); short protein forms A229V.
Identifiers: ClinVar variation 2690910 (VCV002690910.2), dbSNP rs929674561, ClinGen allele CA276846586.

ClinVar aggregate classification (germline): Uncertain significance. Review status: criteria provided, multiple submitters, no conflicts (2 of 4 stars). 2 submissions from 2 submitters: Uncertain significance (2). Last evaluated 2025-06-03.

Conditions:
Interstitial lung disease due to ABCA3 deficiency. Also called: PULMONARY ALVEOLAR PROTEINOSIS, CONGENITAL, 3. Identifiers: Orphanet 440402, MedGen C1970456, MONDO:0012582, OMIM 610921.

Allele frequency attached by ClinVar (database versions not stated): gnomAD 0.00001; TOPMed 0.00001.
gnomAD v4.1: 5 of 1,613,930 alleles (0.00031%); highest among the groups gnomAD compares: Non-Finnish European, 0.00025%; no homozygotes.

Submissions (2):

GeneDx
Classification: Uncertain significance. Last evaluated: 2025-06-03. Review status: criteria provided, single submitter. Criteria: GeneDx Variant Classification Process June 2021. Collection method: clinical testing. Allele origin: germline. Affected: yes.
Comment: Not observed at significant frequency in large population cohorts (gnomAD); In silico analysis suggests that this missense variant does not alter protein structure/function; Has not been previously published as pathogenic or benign to our knowledge

Johns Hopkins Genomics, Johns Hopkins University
Classification: Uncertain significance for Interstitial lung disease due to ABCA3 deficiency. Last evaluated: 2023-10-04. Review status: criteria provided, single submitter. Criteria: ACMG Guidelines, 2015. Collection method: clinical testing. Allele origin: germline.
Comment: This ABCA3 missense variant (rs929674561) is rare (<0.1%) in a large population dataset (gnomAD v3.1.2: 1/152150 total alleles; 0.0007%; no homozygotes). It has not been reported in ClinVar nor the literature, to our knowledge. Two bioinformatic tools queried predict that this substitution would be tolerated, and the alanine residue at this position is evolutionarily conserved across many of the species assessed. We consider the clinical significance of c.686C>T in ABCA3 to be uncertain.